The following is an entry in ClinVar:

ClinVar aggregate classification (germline): Likely benign. Review status: criteria provided, multiple submitters, no conflicts (2 of 4 stars). 4 submissions from 4 submitters: Likely benign (2). 2 of the submissions do not count toward it. Last evaluated 2026-04-30.

Conditions:
CDH23-related disorder. Also called: CDH23-related condition; CDH23-related disorders.

Allele frequency attached by ClinVar (database versions not stated): gnomAD 0.00003; gnomAD exomes 0.00003 and 0.00004; TOPMed 0.00003; ExAC 0.00004; 1000 Genomes Project 0.00020; 1000 Genomes Project 30x 0.00031.
gnomAD v4.1: 65 of 1,609,854 alleles (0.004%); highest among the groups gnomAD compares: Non-Finnish European, 0.0051%; no homozygotes.

Submissions (4):

PreventionGenetics, part of Exact Sciences
Classification: Likely benign for CDH23-related condition. Last evaluated: 2026-04-30. Review status: criteria provided, single submitter. Criteria: ACMG Guidelines, 2015. Collection method: clinical testing. Allele origin: germline.
Comment: This variant is classified as likely benign based on ACMG/AMP sequence variant interpretation guidelines (Richards et al. 2015 PMID: 25741868, with internal and published modifications).

Labcorp Genetics (formerly Invitae), Labcorp
Classification: Likely benign. Last evaluated: 2025-12-14. Review status: criteria provided, single submitter. Criteria: Invitae Variant Classification Sherloc (09022015). Collection method: clinical testing. Allele origin: germline.

Clinical Genetics DNA and cytogenetics Diagnostics Lab, Erasmus MC, Erasmus Medical Center
Classification: Likely benign. Review status: no assertion criteria provided. Collection method: clinical testing. Allele origin: germline. Affected: yes. Study: VKGL Data-share Consensus. Not counted in ClinVar's aggregate classification.

Clinical Genetics, Academic Medical Center
Classification: Benign. Review status: no assertion criteria provided. Collection method: clinical testing. Allele origin: germline. Affected: yes. Study: VKGL Data-share Consensus. Not counted in ClinVar's aggregate classification.

NM_022124.6(CDH23):c.1536G>A (p.Thr512=)

Gene: CDH23 (cadherin related 23; plus strand). Cytogenetic location: 10q22.1.
Variant type: single nucleotide variant.
Coding change: c.1536G>A on transcript NM_022124.6 (MANE Select); coding-DNA position 1536, G replaced by A.
Protein change: p.Thr512=; no amino-acid change (threonine 512 retained).
Molecular consequence: synonymous variant.
Genome position (GRCh38, 1-based): chr10:71,677,477, G>A. VCF-style: chr10-71677477-G-A. GRCh37 (hg19) VCF-style: chr10-73437234-G-A.
Other names: c.1536G>A (NM_022124.5); c.1536G>A, p.Thr512= (NM_001171930.2, NM_001171931.2).
Identifiers: ClinVar variation 1129808 (VCV001129808.13), dbSNP rs56128491, ClinGen allele CA5543885.
Genomic context (GRCh38, chr10:71,677,477, plus strand): 5'-CACGGTGTTCCTTCTCTCCATCCTCTCGGCCTGGCACAGGTTCTCGCTGGACAAGGACAC[G>A]GGACTCATCATGCTGATTGCCAGGCTGGACTATGAGCTCATCCAGCGCTTCACCCTGACG-3'
Protein context (NP_071407.4, residues 502-522): DPDRFSLDKD[Thr512=]GLIMLIARLD